The following is an entry in ClinVar:

ClinVar aggregate classification (germline): Uncertain significance. Review status: criteria provided, multiple submitters, no conflicts (2 of 4 stars). 2 submissions from 2 submitters: Uncertain significance (2). Last evaluated 2025-04-08.

Conditions:
Hyperkalemic periodic paralysis. Also called: Familial hyperkalemic periodic paralysis; Gamstorp disease. Identifiers: Orphanet 682, MedGen C0238357, MONDO:0008224, OMIM 170500, HP:0007215.
Inborn genetic diseases. Identifiers: MedGen C0950123, MeSH D030342.

Allele frequency attached by ClinVar (database versions not stated): gnomAD exomes below 0.00001.
gnomAD v4.1: 1 of 1,614,008 alleles (0.000062%); highest among the groups gnomAD compares: Admixed American, 0.0017%; no homozygotes.

Submissions (2):

Ambry Genetics
Classification: Uncertain significance for Inborn genetic diseases. Last evaluated: 2025-04-08. Review status: criteria provided, single submitter. Criteria: Ambry Variant Classification Scheme 2023. Collection method: clinical testing. Allele origin: germline.

Labcorp Genetics (formerly Invitae), Labcorp
Classification: Uncertain significance for Hyperkalemic periodic paralysis. Last evaluated: 2022-05-15. Review status: criteria provided, single submitter. Criteria: Invitae Variant Classification Sherloc (09022015). Collection method: clinical testing. Allele origin: germline.
Comment: This variant has not been reported in the literature in individuals affected with SCN4A-related conditions. This sequence change replaces glycine, which is neutral and non-polar, with glutamic acid, which is acidic and polar, at codon 1549 of the SCN4A protein (p.Gly1549Glu). This variant is not present in population databases (gnomAD no frequency). Algorithms developed to predict the effect of missense changes on protein structure and function (SIFT, PolyPhen-2, Align-GVGD) all suggest that this variant is likely to be tolerated. In summary, the available evidence is currently insufficient to determine the role of this variant in disease. Therefore, it has been classified as a Variant of Uncertain Significance.

NM_000334.4(SCN4A):c.4646G>A (p.Gly1549Glu)

Genes: GH-LCR (growth hormone locus control region; plus strand), SCN4A (sodium voltage-gated channel alpha subunit 4; minus strand). Cytogenetic location: 17q23.3.
Variant type: single nucleotide variant.
Coding change: c.4646G>A on transcript NM_000334.4 (MANE Select); coding-DNA position 4646, G replaced by A.
Protein change: p.Gly1549Glu; replaces glycine 1549 with glutamic acid.
Molecular consequence: missense variant.
Genome position (GRCh38, 1-based): chr17:63,941,636, C>T on the plus strand (G>A on the coding strand, the complement: SCN4A is on the minus strand). VCF-style: chr17-63941636-C-T. GRCh37 (hg19) VCF-style: chr17-62018996-C-T.
Other names: short protein forms G1549E.
Identifiers: ClinVar variation 1905454 (VCV001905454.6), dbSNP rs2509284637, ClinGen allele CA400615567.